The following is an entry in ClinVar:

ClinVar aggregate classification (germline): Conflicting classifications of pathogenicity. Review status: criteria provided, conflicting classifications (1 of 4 stars). 2 submissions from 2 submitters: Uncertain significance (1); Likely benign (1). Last evaluated 2024-05-23.

Conditions:
Long QT syndrome (LQTS). Identifiers: MedGen C0023976, MeSH D008133, MONDO:0002442. Disease mechanism: loss of function. Inheritance: Various modes of inheritance.

Allele frequency attached by ClinVar (database versions not stated): gnomAD exomes 0.00001; TOPMed 0.00001.
gnomAD v4.1: 3 of 1,614,246 alleles (0.00019%); highest among the groups gnomAD compares: Admixed American, 0.0033%; no homozygotes.

Submissions (2):

Blueprint Genetics
Classification: Likely benign. Last evaluated: 2024-05-23. Review status: criteria provided, single submitter. Criteria: ACMG Guidelines, 2015. Collection method: clinical testing. Allele origin: germline.

Labcorp Genetics (formerly Invitae), Labcorp
Classification: Uncertain significance for Long QT syndrome. Last evaluated: 2023-11-03. Review status: criteria provided, single submitter. Criteria: Invitae Variant Classification Sherloc (09022015). Collection method: clinical testing. Allele origin: germline.
Comment: This sequence change replaces valine, which is neutral and non-polar, with isoleucine, which is neutral and non-polar, at codon 121 of the KCNJ5 protein (p.Val121Ile). This variant is present in population databases (no rsID available, gnomAD 0.003%). This variant has not been reported in the literature in individuals affected with KCNJ5-related conditions. Advanced modeling of protein sequence and biophysical properties (such as structural, functional, and spatial information, amino acid conservation, physicochemical variation, residue mobility, and thermodynamic stability) performed at Invitae indicates that this missense variant is not expected to disrupt KCNJ5 protein function with a negative predictive value of 95%. In summary, the available evidence is currently insufficient to determine the role of this variant in disease. Therefore, it has been classified as a Variant of Uncertain Significance.

NM_000890.5(KCNJ5):c.361G>A (p.Val121Ile)

Gene: KCNJ5 (potassium inwardly rectifying channel subfamily J member 5; plus strand). Cytogenetic location: 11q24.3.
Variant type: single nucleotide variant.
Coding change: c.361G>A on transcript NM_000890.5 (MANE Select); coding-DNA position 361, G replaced by A.
Protein change: p.Val121Ile; replaces valine 121 with isoleucine.
Molecular consequence: missense variant.
Genome position (GRCh38, 1-based): chr11:128,911,634, G>A. VCF-style: chr11-128911634-G-A. GRCh37 (hg19) VCF-style: chr11-128781529-G-A.
Other names: c.361G>A, p.Val121Ile (NM_001354169.2); short protein forms V121I.
Identifiers: ClinVar variation 2997222 (VCV002997222.4), dbSNP rs1258137665, ClinGen allele CA383247415.